The following is an entry in ClinVar:

ClinVar aggregate classification (germline): Likely pathogenic (1 of 4 stars; one submission).

Submission:

Labcorp Genetics (formerly Invitae), Labcorp
Classification: Likely pathogenic. Last evaluated: 2024-08-05. Review status: criteria provided, single submitter. Criteria: Invitae Variant Classification Sherloc (09022015). Collection method: clinical testing. Allele origin: germline.
Comment: This sequence change affects an acceptor splice site in intron 6 of the SCP2 gene. It is expected to disrupt RNA splicing. Variants that disrupt the donor or acceptor splice site typically lead to a loss of protein function (PMID: 16199547), and loss-of-function variants in SCP2 are known to be pathogenic (PMID: 16685654, 26497993). This variant is not present in population databases (gnomAD no frequency). This variant has not been reported in the literature in individuals affected with SCP2-related conditions. Algorithms developed to predict the effect of sequence changes on RNA splicing suggest that this variant may disrupt the consensus splice site. In summary, the currently available evidence indicates that the variant is pathogenic, but additional data are needed to prove that conclusively. Therefore, this variant has been classified as Likely Pathogenic.

Literature cited by the submitters: PubMed 16199547; PubMed 16685654; PubMed 26497993.

NM_002979.5(SCP2):c.524-2A>G

Gene: SCP2 (sterol carrier protein 2; plus strand). Cytogenetic location: 1p32.3.
Variant type: single nucleotide variant.
Coding change: c.524-2A>G on transcript NM_002979.5 (MANE Select); the canonical splice acceptor site of the intron before coding-DNA position 524, A replaced by G.
Molecular consequence: splice acceptor variant.
Genome position (GRCh38, 1-based): chr1:52,974,767, A>G. VCF-style: chr1-52974767-A-G. GRCh37 (hg19) VCF-style: chr1-53440439-A-G.
Other names: c.392-2A>G (NM_001193600.2, NM_001007098.3); c.452-2A>G (NM_001193599.2); c.281-2A>G (NM_001193617.2); c.524-2A>G (NM_001330587.2).
Identifiers: ClinVar variation 3632636 (VCV003632636.2).
Genomic context (GRCh38, chr1:52,974,767, plus strand): 5'-AGATTTGTTAATAAGCAGCGGAAAAACATTCACCCACTGGTAGATGTTTGCTTTCTTTAC[A>G]GGAACAAAAATTGAACACTTTGCAAAAATTGGATGGAAAAATCATAAACATTCAGTTAAT-3'